The following is an entry in ClinVar:

ClinVar aggregate classification (germline): Uncertain significance (1 of 4 stars; one submission).

Conditions:
SCN11A-related disorder. Also called: SCN11A-related condition.

Submission:

3billion
Classification: Uncertain significance for SCN11A-related disorder. Last evaluated: 2024-06-19. Review status: criteria provided, single submitter. Criteria: ACMG Guidelines, 2015. Collection method: clinical testing. Allele origin: germline. Affected: yes.
Comment: The variant is not observed in the gnomAD v4.0.0 dataset. Predicted Consequence/Location: Missense changes are a common disease-causing mechanism. Damaging effect on gene or gene product predicted by in silico programs is uncertain [REVEL: 0.28 (damaging >=0.6, benign <0.4), 3Cnet:0.021 (damaging >=0.6, benign <0.15)]. Therefore, this variant is classified as VUS according to the recommendation of ACMG/AMP guideline.

NM_001349253.2(SCN11A):c.463A>C (p.Asn155His)

Gene: SCN11A (sodium voltage-gated channel alpha subunit 11; minus strand). Cytogenetic location: 3p22.2.
Variant type: single nucleotide variant.
Coding change: c.463A>C on transcript NM_001349253.2 (MANE Select); coding-DNA position 463, A replaced by C.
Protein change: p.Asn155His; replaces asparagine 155 with histidine.
Molecular consequence: missense variant.
Genome position (GRCh38, 1-based): chr3:38,945,436, T>G on the plus strand (A>C on the coding strand, the complement: SCN11A is on the minus strand). VCF-style: chr3-38945436-T-G. GRCh37 (hg19) VCF-style: chr3-38986927-T-G.
Other names: c.463A>C, p.Asn155His (NM_014139.3); short protein forms N155H.
Identifiers: ClinVar variation 4294096 (VCV004294096.1).